The following is an entry in ClinVar:

NM_001287491.2(TET3):c.1963G>T (p.Ala655Ser)

Gene: TET3 (tet methylcytosine dioxygenase 3; plus strand). Cytogenetic location: 2p13.1.
Variant type: single nucleotide variant.
Coding change: c.1963G>T on transcript NM_001287491.2 (MANE Select); coding-DNA position 1963, G replaced by T.
Protein change: p.Ala655Ser; replaces alanine 655 with serine.
Molecular consequence: missense variant.
Genome position (GRCh38, 1-based): chr2:74,047,880, G>T. VCF-style: chr2-74047880-G-T. GRCh37 (hg19) VCF-style: chr2-74275007-G-T.
Other names: c.1684G>T, p.Ala562Ser (NM_001366022.1); short protein forms A562S, A655S.
Identifiers: ClinVar variation 4530759 (VCV004530759.1).

ClinVar aggregate classification (germline): Uncertain significance (1 of 4 stars; one submission).

Submission:

GeneDx
Classification: Uncertain significance. Last evaluated: 2025-05-24. Review status: criteria provided, single submitter. Criteria: GeneDx Variant Classification Process June 2021. Collection method: clinical testing. Allele origin: germline. Affected: yes.
Comment: Not observed at significant frequency in large population cohorts (gnomAD); In silico analysis suggests that this missense variant does not alter protein structure/function; Has not been previously published as pathogenic or benign to our knowledge